The following is an entry in ClinVar:

NM_201384.3(PLEC):c.1940G>A (p.Arg647His)

Gene: PLEC (plectin; minus strand). Cytogenetic location: 8q24.3.
Variant type: single nucleotide variant.
Coding change: c.1940G>A on transcript NM_201384.3 (MANE Select); coding-DNA position 1940, G replaced by A.
Protein change: p.Arg647His; replaces arginine 647 with histidine.
Molecular consequence: missense variant.
Genome position (GRCh38, 1-based): chr8:143,932,437, C>T on the plus strand (G>A on the coding strand, the complement: PLEC is on the minus strand). VCF-style: chr8-143932437-C-T. GRCh37 (hg19) VCF-style: chr8-145006605-C-T.
Other names: c.2021G>A, p.Arg674His (NM_000445.5, NM_001410941.1); c.1898G>A, p.Arg633His (NM_201378.4); c.1874G>A, p.Arg625His (NM_201379.3); c.2351G>A, p.Arg784His (NM_201380.4); c.1844G>A, p.Arg615His (NM_201381.3); c.1940G>A, p.Arg647His (NM_201382.4); c.1952G>A, p.Arg651His (NM_201383.3); short protein forms R647H, R674H, R651H, R615H, R625H, R633H, R784H.
Identifiers: ClinVar variation 2154905 (VCV002154905.4), dbSNP rs782103383, ClinGen allele CA4927781.

ClinVar aggregate classification (germline): Uncertain significance (1 of 4 stars; one submission).

Conditions:
Epidermolysis bullosa simplex with nail dystrophy (EBS5D). Identifiers: MedGen C4225309, MONDO:0014661, OMIM 616487.
Epidermolysis bullosa simplex 5B, with muscular dystrophy (EBS5B). Also called: EPIDERMOLYSIS BULLOSA SIMPLEX AND LIMB-GIRDLE MUSCULAR DYSTROPHY; Epidermolysis bullosa simplex with muscular dystrophy. Identifiers: Orphanet 257, MedGen C2931072, MONDO:0009181, OMIM 226670.
Epidermolysis bullosa simplex, Ogna type (EBS5A). Also called: Pidermolysis bullosa simplex 5A, Ogna type; EPIDERMOLYSIS BULLOSA SIMPLEX 5A, OGNA TYPE. Identifiers: Orphanet 79401, MedGen C0432317, MONDO:0007555, OMIM 131950.
Autosomal recessive limb-girdle muscular dystrophy type 2Q (LGMDR17). Also called: MUSCULAR DYSTROPHY, LIMB-GIRDLE, AUTOSOMAL RECESSIVE 17. Identifiers: Orphanet 254361, MedGen C3150989, MONDO:0013390, OMIM 613723.
Epidermolysis bullosa simplex 5C, with pyloric atresia (EBS5C). Also called: Epidermolysis bullosa simplex with pyloric atresia; PLEC-Related Epidermolysis Bullosa with Pyloric Atresia; PLEC1-Related Epidermolysis Bullosa with Pyloric Atresia. Identifiers: Orphanet 158684, MedGen C2677349, MONDO:0012807, OMIM 612138.

Allele frequency attached by ClinVar (database versions not stated): TOPMed 0.00003.
gnomAD v4.1: 8 of 1,612,812 alleles (0.0005%); highest among the groups gnomAD compares: African/African-American, 0.004%; no homozygotes.

Submission:

Labcorp Genetics (formerly Invitae), Labcorp
Classification: Uncertain significance for Autosomal recessive limb-girdle muscular dystrophy type 2Q; Epidermolysis bullosa simplex, Ogna type; Epidermolysis bullosa simplex with nail dystrophy; Epidermolysis bullosa simplex 5C, with pyloric atresia; Epidermolysis bullosa simplex 5B, with muscular dystrophy. Last evaluated: 2025-10-15. Review status: criteria provided, single submitter. Criteria: Invitae Variant Classification Sherloc (09022015). Collection method: clinical testing. Allele origin: germline.
Comment: This sequence change replaces arginine, which is basic and polar, with histidine, which is basic and polar, at codon 674 of the PLEC protein (p.Arg674His). The frequency data for this variant in the population databases is considered unreliable, as metrics indicate poor data quality at this position in the gnomAD database. This variant has not been reported in the literature in individuals affected with PLEC-related conditions. ClinVar contains an entry for this variant (Variation ID: 2154905). Invitae Evidence Modeling of protein sequence and biophysical properties (such as structural, functional, and spatial information, amino acid conservation, physicochemical variation, residue mobility, and thermodynamic stability) indicates that this missense variant is not expected to disrupt PLEC protein function with a negative predictive value of 80%. In summary, the available evidence is currently insufficient to determine the role of this variant in disease. Therefore, it has been classified as a Variant of Uncertain Significance.